The following is an entry in ClinVar:

ClinVar aggregate classification (germline): Benign/Likely benign. Review status: criteria provided, multiple submitters, no conflicts (2 of 4 stars). 7 submissions from 7 submitters: Benign (3); Likely benign (3). 1 of the submissions does not count toward it. Last evaluated 2026-06-01.

Conditions:
Early-infantile DEE. Also called: Early infantile epileptic encephalopathy; Early infantile epileptic encephalopathy with suppression bursts; Ohtahara syndrome. Identifiers: Orphanet 1934, MedGen C0393706, MONDO:0800491.
Inborn genetic diseases. Identifiers: MedGen C0950123, MeSH D030342.
KCNQ2-Related Disorders. Also called: KCNQ2-related condition; KCNQ2-related disorder. Identifiers: MedGen CN169299.

Allele frequency attached by ClinVar (database versions not stated): gnomAD exomes 0.00004 and 0.00012; ExAC 0.00008; gnomAD 0.00011; TOPMed 0.00012.
gnomAD v4.1: 176 of 1,613,790 alleles (0.011%); highest among the groups gnomAD compares: East Asian, 0.1%; 3 homozygotes.

Submissions (7):

CeGaT Center for Human Genetics Tuebingen
Classification: Likely benign. Last evaluated: 2026-06-01. Review status: criteria provided, single submitter. Criteria: CeGaT Center For Human Genetics Tuebingen Variant Classification Criteria Version 2. Collection method: clinical testing. Allele origin: germline. Affected: yes. Observed: 2 variant alleles.
Comment: KCNQ2: BP4, BP7, BS1

Labcorp Genetics (formerly Invitae), Labcorp
Classification: Benign for Early-infantile DEE. Last evaluated: 2026-01-14. Review status: criteria provided, single submitter. Criteria: Invitae Variant Classification Sherloc (09022015). Collection method: clinical testing. Allele origin: germline.

Blueprint Genetics
Classification: Likely benign. Last evaluated: 2024-11-20. Review status: criteria provided, single submitter. Criteria: ACMG Guidelines, 2015. Collection method: clinical testing. Allele origin: germline.

Mayo Clinic Laboratories, Mayo Clinic
Classification: Benign. Last evaluated: 2022-09-06. Review status: criteria provided, single submitter. Criteria: ACMG Guidelines, 2015. Collection method: clinical testing. Allele origin: germline. Observed: 2 variant alleles.
Comment: BS1, BS2, BP4, BP7

Ambry Genetics
Classification: Likely benign for Inborn genetic diseases. Last evaluated: 2016-11-02. Review status: criteria provided, single submitter. Criteria: Ambry Variant Classification Scheme 2023. Collection method: clinical testing. Allele origin: germline.

GeneDx
Classification: Benign. Last evaluated: 2013-07-09. Review status: criteria provided, single submitter. Criteria: GeneDx Variant Classification (06012015). Collection method: clinical testing. Allele origin: germline. Affected: yes.
Comment: This variant is considered likely benign or benign based on one or more of the following criteria: it is a conservative change, it occurs at a poorly conserved position in the protein, it is predicted to be benign by multiple in silico algorithms, and/or has population frequency not consistent with disease.

PreventionGenetics, part of Exact Sciences
Classification: Likely benign for KCNQ2-related condition. Last evaluated: 2019-10-04. Review status: no assertion criteria provided. Collection method: clinical testing. Allele origin: germline. Not counted in ClinVar's aggregate classification.
Comment: This variant is classified as likely benign based on ACMG/AMP sequence variant interpretation guidelines (Richards et al. 2015 PMID: 25741868, with internal and published modifications).

NM_172107.4(KCNQ2):c.754T>C (p.Leu252=)

Gene: KCNQ2 (potassium voltage-gated channel subfamily Q member 2; minus strand). Cytogenetic location: 20q13.33.
Variant type: single nucleotide variant.
Coding change: c.754T>C on transcript NM_172107.4 (MANE Select); coding-DNA position 754, T replaced by C.
Protein change: p.Leu252=; no amino-acid change (leucine 252 retained).
Molecular consequence: synonymous variant.
Genome position (GRCh38, 1-based): chr20:63,442,468, A>G on the plus strand (T>C on the coding strand, the complement: KCNQ2 is on the minus strand). VCF-style: chr20-63442468-A-G. GRCh37 (hg19) VCF-style: chr20-62073821-A-G.
Other names: p.L252L:TTG>CTG; p.Leu252=; c.754T>C, p.Leu252= (NM_004518.6, NM_172106.3, NM_172108.5 and 1 more transcripts); c.754T>C (NM_172107.3).
Identifiers: ClinVar variation 138016 (VCV000138016.23), dbSNP rs370174915, ClinGen allele CA291786.